The following is an entry in ClinVar:

NM_001080517.3(SETD5):c.2972A>G (p.Asn991Ser)

Gene: SETD5 (SET domain containing 5; plus strand). Cytogenetic location: 3p25.3.
Variant type: single nucleotide variant.
Coding change: c.2972A>G on transcript NM_001080517.3 (MANE Select); coding-DNA position 2972, A replaced by G.
Protein change: p.Asn991Ser; replaces asparagine 991 with serine.
Molecular consequence: missense variant.
Genome position (GRCh38, 1-based): chr3:9,470,706, A>G. VCF-style: chr3-9470706-A-G. GRCh37 (hg19) VCF-style: chr3-9512390-A-G.
Other names: c.2678A>G, p.Asn893Ser (NM_001292043.2, NM_001349451.2); c.3068A>G, p.Asn1023Ser (NM_001437633.1); c.3086A>G, p.Asn1029Ser (NM_001437635.1); c.3029A>G, p.Asn1010Ser (NM_001437643.1); c.3011A>G, p.Asn1004Ser (NM_001437701.1); short protein forms N893S, N1023S, N991S, N1029S, N1004S, N1010S.
Identifiers: ClinVar variation 5006707 (VCV005006707.2).

ClinVar aggregate classification (germline): Uncertain significance (1 of 4 stars; one submission).

Conditions:
Intellectual disability-facial dysmorphism syndrome due to SETD5 haploinsufficiency (MRD23). Also called: Intellectual developmental disorder, autosomal dominant 23. Identifiers: Orphanet 404440, MedGen C3810406, MONDO:0014336, OMIM 615761.

gnomAD v4.1: 2 of 1,614,028 alleles (0.00012%); highest among the groups gnomAD compares: South Asian, 0.0011%; no homozygotes.

Submission:

Juno Genomics, Hangzhou Juno Genomics, Inc
Classification: Uncertain significance for Intellectual disability-facial dysmorphism syndrome due to SETD5 haploinsufficiency. Review status: criteria provided, single submitter. Criteria: ACMG Guidelines, 2015. Collection method: clinical testing. Allele origin: germline.
Comment: Absent from controls (or at extremely low frequency if recessive) in Genome Aggregation Database.;Multiple lines of computational evidence support a deleterious effect on the gene or gene product.